The following is an entry in ClinVar:

NM_007294.4(BRCA1):c.3110_3111insT (p.Lys1037fs)

Gene: BRCA1 (BRCA1 DNA repair associated; minus strand). Cytogenetic location: 17q21.31.
Variant type: Insertion.
Coding change: c.3110_3111insT on transcript NM_007294.4 (MANE Select); coding-DNA positions 3110 to 3111, T inserted.
Protein change: p.Lys1037fs; shifts the reading frame from lysine 1037.
Molecular consequence: frameshift variant. On other transcripts: intron variant (137).
Genome position: GRCh38 VCF-style: chr17-43092420-T-TA. GRCh37 (hg19) VCF-style: chr17-41244437-T-TA.
Other names: c.2897_2898insT, p.Lys966fs (NM_001407571.1, NM_001407853.1, NM_001407894.1 and 9 more transcripts); c.3110_3111insT, p.Lys1037fs (NM_001407581.1, NM_001407582.1, NM_001407583.1 and 30 more transcripts); c.3107_3108insT, p.Lys1036fs (NM_001407587.1, NM_001407590.1, NM_001407591.1 and 22 more transcripts); c.3101_3102insT, p.Lys1034fs (NM_001407646.1, NM_001407647.1); c.2987_2988insT, p.Lys996fs (NM_001407648.1, NM_001407664.1, NM_001407665.1 and 19 more transcripts); c.2984_2985insT, p.Lys995fs (NM_001407649.1, NM_001407685.1, NM_001407686.1 and 11 more transcripts); c.3029_3030insT, p.Lys1010fs (NM_001407662.1, NM_001407659.1, NM_001407660.1 and 1 more transcripts); c.3032_3033insT, p.Lys1011fs (NM_001407663.1, NM_001407653.1, NM_001407654.1 and 4 more transcripts); and 41 more; short protein forms K1037fs, K990fs, K741fs, K869fs, K969fs, K995fs, K1034fs, K910fs.
Identifiers: ClinVar variation 548193 (VCV000548193.2), dbSNP rs1555588381, ClinGen allele CA658823979.

ClinVar aggregate classification (germline): Pathogenic (3 of 4 stars; one submission).

Conditions:
Breast-ovarian cancer, familial, susceptibility to, 1 (BROVCA1). Also called: BRCA1 Hereditary Breast and Ovarian Cancer; OVARIAN CANCER, SUSCEPTIBILITY TO. Identifiers: Orphanet 145, MedGen C2676676, MONDO:0011450, OMIM 604370. Disease mechanism: loss of function.

Submission:

Evidence-based Network for the Interpretation of Germline Mutant Alleles (ENIGMA)
Classification: Pathogenic for Breast-ovarian cancer, familial, susceptibility to, 1. Last evaluated: 2017-12-15. Review status: reviewed by expert panel. Criteria: ENIGMA BRCA1/2 Classification Criteria (2017-06-29). Collection method: curation. Allele origin: germline. Study: ENIGMA.
Comment: Variant allele predicted to encode a truncated non-functional protein.